The following is an entry in ClinVar:

NM_001283009.2(RTEL1):c.2471C>A (p.Pro824Gln)

Genes: RTEL1 (regulator of telomere elongation helicase 1; plus strand), RTEL1-TNFRSF6B (RTEL1-TNFRSF6B readthrough (NMD candidate); plus strand). Cytogenetic location: 20q13.33.
Variant type: single nucleotide variant.
Coding change: c.2471C>A on transcript NM_001283009.2 (MANE Select); coding-DNA position 2471, C replaced by A.
Protein change: p.Pro824Gln; replaces proline 824 with glutamine.
Molecular consequence: missense variant. On other transcripts: non-coding transcript variant (1).
Genome position (GRCh38, 1-based): chr20:63,690,862, C>A. VCF-style: chr20-63690862-C-A. GRCh37 (hg19) VCF-style: chr20-62322215-C-A.
Other names: c.1802C>A, p.Pro601Gln (NM_001283010.1); c.2471C>A, p.Pro824Gln (NM_016434.4); c.2543C>A, p.Pro848Gln (NM_032957.5); short protein forms P601Q, P824Q, P848Q.
Identifiers: ClinVar variation 1524342 (VCV001524342.8), dbSNP rs769874593, ClinGen allele CA9965370.
Genomic context (GRCh38, chr20:63,690,862, plus strand): 5'-CAGGGTCACCAGCTGCCGGGGACCCCGAGAGTAGCCTGTGTGTGGAGTATGAGCAGGAGC[C>A]AGTTCCTGCCCGGCAGAGGCCCAGGGGGCTGCTGGCCGCCCTGGAGCACAGCGAACAGCG-3'
Protein context (NP_001269938.1, residues 814-834): SSLCVEYEQE[Pro824Gln]VPARQRPRGL

ClinVar aggregate classification (germline): Uncertain significance (1 of 4 stars; one submission).

Conditions:
Pulmonary fibrosis and/or bone marrow failure, Telomere-related, 3. Also called: PULMONARY FIBROSIS AND/OR BONE MARROW FAILURE SYNDROME, TELOMERE-RELATED, 3. Identifiers: Orphanet 2032, MedGen C4225346, MONDO:0014613, OMIM 616373.
Dyskeratosis congenita, autosomal recessive 5 (DKCB5). Identifiers: MedGen C3554656, MONDO:0014076, OMIM 615190.

Allele frequency attached by ClinVar (database versions not stated): gnomAD exomes 0.00002; ExAC 0.00003.
gnomAD v4.1: 22 of 1,602,836 alleles (0.0014%); highest among the groups gnomAD compares: Non-Finnish European, 0.0019%; no homozygotes.

Submission:

Labcorp Genetics (formerly Invitae), Labcorp
Classification: Uncertain significance for Dyskeratosis congenita, autosomal recessive 5; Pulmonary fibrosis and/or bone marrow failure, Telomere-related, 3. Last evaluated: 2023-11-24. Review status: criteria provided, single submitter. Criteria: Invitae Variant Classification Sherloc (09022015). Collection method: clinical testing. Allele origin: germline.
Comment: This sequence change replaces proline, which is neutral and non-polar, with glutamine, which is neutral and polar, at codon 824 of the RTEL1 protein (p.Pro824Gln). The frequency data for this variant in the population databases is considered unreliable, as metrics indicate poor data quality at this position in the gnomAD database. This variant has not been reported in the literature in individuals affected with RTEL1-related conditions. ClinVar contains an entry for this variant (Variation ID: 1524342). An algorithm developed to predict the effect of missense changes on protein structure and function (PolyPhen-2) suggests that this variant is likely to be tolerated. In summary, the available evidence is currently insufficient to determine the role of this variant in disease. Therefore, it has been classified as a Variant of Uncertain Significance.